The following is an entry in ClinVar:

NM_001693.4(ATP6V1B2):c.1120G>C (p.Glu374Gln)

Gene: ATP6V1B2 (ATPase H+ transporting V1 subunit B2; plus strand). Cytogenetic location: 8p21.3.
Variant type: single nucleotide variant.
Coding change: c.1120G>C on transcript NM_001693.4 (MANE Select); coding-DNA position 1120, G replaced by C.
Protein change: p.Glu374Gln; replaces glutamic acid 374 with glutamine.
Molecular consequence: missense variant.
Genome position (GRCh38, 1-based): chr8:20,216,454, G>C. VCF-style: chr8-20216454-G-C. GRCh37 (hg19) VCF-style: chr8-20073965-G-C.
Other names: short protein forms E374Q.
Identifiers: ClinVar variation 431094 (VCV000431094.2), dbSNP rs1135401772, ClinGen allele CA370473147.

ClinVar aggregate classification (germline): Likely pathogenic (1 of 4 stars; one submission).

Conditions:
Zimmermann-Laband syndrome 2 (ZLS2). Identifiers: Orphanet 3473, MedGen C4225321, MONDO:0014646, OMIM 616455.

Submission:

Institute of Human Genetics, FAU Erlangen, Friedrich-Alexander-Universität Erlangen-Nürnberg
Classification: Likely pathogenic for Zimmermann-Laband syndrome 2. Last evaluated: 2017-08-01. Review status: criteria provided, single submitter. Criteria: ACMG Guidelines, 2015. Collection method: clinical testing. Allele origin: de novo. Inheritance: Sporadic. Affected: yes. Observed: 1 variant allele, 1 heterozygote.